The following is an entry in ClinVar:

NM_000322.5(PRPH2):c.215G>C (p.Cys72Ser)

Gene: PRPH2 (peripherin 2; minus strand). Cytogenetic location: 6p21.1.
Variant type: single nucleotide variant.
Coding change: c.215G>C on transcript NM_000322.5 (MANE Select); coding-DNA position 215, G replaced by C.
Protein change: p.Cys72Ser; replaces cysteine 72 with serine.
Molecular consequence: missense variant.
Genome position (GRCh38, 1-based): chr6:42,722,120, C>G on the plus strand (G>C on the coding strand, the complement: PRPH2 is on the minus strand). VCF-style: chr6-42722120-C-G. GRCh37 (hg19) VCF-style: chr6-42689858-C-G.
Other names: short protein forms C72S.
Identifiers: ClinVar variation 999926 (VCV000999926.13), dbSNP rs375090109, ClinGen allele CA3808650.

ClinVar aggregate classification (germline): Uncertain significance. Review status: criteria provided, multiple submitters, no conflicts (2 of 4 stars). 5 submissions from 5 submitters: Uncertain significance (5). Last evaluated 2026-07-13.

Conditions:
PRPH2-related disorder. Also called: PRPH2-related disorders; PRPH2-related condition. Identifiers: MedGen CN239395.
Inborn genetic diseases. Identifiers: MedGen C0950123, MeSH D030342.

Allele frequency attached by ClinVar (database versions not stated): gnomAD 0.00001; TOPMed 0.00001; ExAC 0.00003; ESP Exome Variant Server 0.00008.
gnomAD v4.1: 49 of 1,614,148 alleles (0.003%); highest among the groups gnomAD compares: Non-Finnish European, 0.0041%; no homozygotes.

Submissions (5):

PreventionGenetics, part of Exact Sciences
Classification: Uncertain significance for PRPH2-related condition. Last evaluated: 2026-07-13. Review status: criteria provided, single submitter. Criteria: ACMG Guidelines, 2015. Collection method: clinical testing. Allele origin: germline.
Comment: The PRPH2 c.215G>C variant is predicted to result in the amino acid substitution p.Cys72Ser. To our knowledge, this variant has not been reported in the literature. This variant is present in 0.0053% of alleles in individuals of European (Non-Finnish) descent in gnomAD. At this time, the clinical significance of this variant is uncertain due to the absence of conclusive functional and genetic evidence.

Labcorp Genetics (formerly Invitae), Labcorp
Classification: Uncertain significance for PRPH2-related disorder. Last evaluated: 2024-06-18. Review status: criteria provided, single submitter. Criteria: Invitae Variant Classification Sherloc (09022015). Collection method: clinical testing. Allele origin: germline.
Comment: This sequence change replaces cysteine, which is neutral and slightly polar, with serine, which is neutral and polar, at codon 72 of the PRPH2 protein (p.Cys72Ser). This variant is present in population databases (rs375090109, gnomAD 0.005%). This missense change has been observed in individual(s) with cone dystrophy (PMID: 9052636). ClinVar contains an entry for this variant (Variation ID: 999926). Advanced modeling of protein sequence and biophysical properties (such as structural, functional, and spatial information, amino acid conservation, physicochemical variation, residue mobility, and thermodynamic stability) performed at Invitae indicates that this missense variant is expected to disrupt PRPH2 protein function with a positive predictive value of 95%. In summary, the available evidence is currently insufficient to determine the role of this variant in disease. Therefore, it has been classified as a Variant of Uncertain Significance.

Ambry Genetics
Classification: Uncertain significance for Inborn genetic diseases. Last evaluated: 2022-09-22. Review status: criteria provided, single submitter. Criteria: Ambry Variant Classification Scheme 2023. Collection method: clinical testing. Allele origin: germline.

Blueprint Genetics
Classification: Uncertain significance. Last evaluated: 2019-10-11. Review status: criteria provided, single submitter. Criteria: ACMG Guidelines, 2015. Collection method: clinical testing. Allele origin: germline.

GeneDx
Classification: Uncertain significance. Last evaluated: 2019-04-03. Review status: criteria provided, single submitter. Criteria: GeneDx Variant Classification Process June 2021. Collection method: clinical testing. Allele origin: germline. Affected: yes.
Comment: Published functional studies demonstrated no effect on dimer formation, folding, or subunit assembly (Goldberg et al., 1998); In silico analysis, which includes protein predictors and evolutionary conservation, supports a deleterious effect; This variant is associated with the following publications: (PMID: 9425091, 9831753)

Literature cited by the submitters: PubMed 9052636 (cited by Labcorp Genetics (formerly Invitae), Labcorp).